The following is an entry in ClinVar:

NM_014233.4(UBTF):c.1426G>A (p.Glu476Lys)

Genes: ATXN7L3-AS1 (ATXN7L3 antisense RNA 1; plus strand), UBTF (upstream binding transcription factor; minus strand), LOC121587595 (Sharpr-MPRA regulatory region 7848; plus strand). Cytogenetic location: 17q21.31.
Variant type: single nucleotide variant.
Coding change: c.1426G>A on transcript NM_014233.4 (MANE Select); coding-DNA position 1426, G replaced by A.
Protein change: p.Glu476Lys; replaces glutamic acid 476 with lysine.
Molecular consequence: missense variant. On other transcripts: non-coding transcript variant (1).
Genome position (GRCh38, 1-based): chr17:44,210,407, C>T on the plus strand (G>A on the coding strand, the complement: UBTF is on the minus strand). VCF-style: chr17-44210407-C-T. GRCh37 (hg19) VCF-style: chr17-42287775-C-T.
Other names: c.1315G>A, p.Glu439Lys (NM_001076683.2, NM_001076684.3); short protein forms E439K, E476K.
Identifiers: ClinVar variation 3338503 (VCV003338503.1).

ClinVar aggregate classification (germline): Likely pathogenic (1 of 4 stars; one submission).

Conditions:
Childhood-onset motor and cognitive regression syndrome with extrapyramidal movement disorder. Also called: NEURODEGENERATION, CHILDHOOD-ONSET, WITH BRAIN ATROPHY. Identifiers: Orphanet 500180, MedGen C4540086, MONDO:0044701, OMIM 617672.

Submission:

Greenwood Genetic Center Diagnostic Laboratories, Greenwood Genetic Center
Classification: Likely pathogenic for Childhood-onset motor and cognitive regression syndrome with extrapyramidal movement disorder. Last evaluated: 2024-05-16. Review status: criteria provided, single submitter. Criteria: ACMG Guidelines, 2015. Collection method: clinical testing. Allele origin: germline. Affected: yes.
Comment: PS2, PM2, PP2